The following is an entry in ClinVar:

NM_004380.3(CREBBP):c.4011C>G (p.His1337Gln)

Gene: CREBBP (CREB binding lysine acetyltransferase; minus strand). Cytogenetic location: 16p13.3.
Variant type: single nucleotide variant.
Coding change: c.4011C>G on transcript NM_004380.3 (MANE Select); coding-DNA position 4011, C replaced by G.
Protein change: p.His1337Gln; replaces histidine 1337 with glutamine.
Molecular consequence: missense variant.
Genome position (GRCh38, 1-based): chr16:3,740,521, G>C on the plus strand (C>G on the coding strand, the complement: CREBBP is on the minus strand). VCF-style: chr16-3740521-G-C. GRCh37 (hg19) VCF-style: chr16-3790522-G-C.
Other names: c.3897C>G, p.His1299Gln (NM_001079846.1); short protein forms H1299Q, H1337Q.
Identifiers: ClinVar variation 1879326 (VCV001879326.29), dbSNP rs1013942234, ClinGen allele CA394565464.
Genomic context (GRCh38, chr16:3,740,521, plus strand): 5'-AACCTCCCCGGCTTCAGGGTGATTCTGGCGCCGCAAAAATTTGTTCACTCGGTCTTCCAA[G>C]TGGTTTCCCAGTCTTGTGGTCTGCAGCCCTAGGAAGTCCAGAAGGAGCAGGTGAGAGGGC-3'
Protein context (NP_004371.2, residues 1327-1347): KRLQTTRLGN[His1337Gln]LEDRVNKFLR

ClinVar aggregate classification (germline): Uncertain significance (1 of 4 stars; one submission).

Submission:

CeGaT Center for Human Genetics Tuebingen
Classification: Uncertain significance. Last evaluated: 2022-12-01. Review status: criteria provided, single submitter. Criteria: CeGaT Center For Human Genetics Tuebingen Variant Classification Criteria Version 2. Collection method: clinical testing. Allele origin: germline. Affected: yes. Observed: 1 variant allele.
Comment: CREBBP: PM2, PP2